The following is an entry in ClinVar:

NM_012414.4(RAB3GAP2):c.467T>C (p.Ile156Thr)

Gene: RAB3GAP2 (RAB3 GTPase activating non-catalytic protein subunit 2; minus strand). Cytogenetic location: 1q41.
Variant type: single nucleotide variant.
Coding change: c.467T>C on transcript NM_012414.4 (MANE Select); coding-DNA position 467, T replaced by C.
Protein change: p.Ile156Thr; replaces isoleucine 156 with threonine.
Molecular consequence: missense variant.
Genome position (GRCh38, 1-based): chr1:220,210,844, A>G on the plus strand (T>C on the coding strand, the complement: RAB3GAP2 is on the minus strand). VCF-style: chr1-220210844-A-G. GRCh37 (hg19) VCF-style: chr1-220384186-A-G.
Other names: short protein forms I156T.
Identifiers: ClinVar variation 565975 (VCV000565975.13), dbSNP rs749444902, ClinGen allele CA1403010.

ClinVar aggregate classification (germline): Uncertain significance. Review status: criteria provided, multiple submitters, no conflicts (2 of 4 stars). 5 submissions from 4 submitters: Uncertain significance (5). Last evaluated 2025-04-27.

Conditions:
Inborn genetic diseases. Identifiers: MedGen C0950123, MeSH D030342.
Martsolf syndrome (MARTS). Also called: Congenital cataract with intellectual disability and hypogonadotropic hypogonadism syndrome. Identifiers: Orphanet 1387, MedGen C0796037, MONDO:0023910.
Warburg micro syndrome 2 (WARBM2). Also called: MICRO SYNDROME 2. Identifiers: Orphanet 2510, MedGen C3280214, MONDO:0013641, OMIM 614225.

Allele frequency attached by ClinVar (database versions not stated): gnomAD 0.00003; ExAC 0.00005; gnomAD exomes 0.00005; TOPMed 0.00005.
gnomAD v4.1: 79 of 1,613,732 alleles (0.0049%); highest among the groups gnomAD compares: Middle Eastern, 0.049%; no homozygotes.

Submissions (5):

Ambry Genetics
Classification: Uncertain significance for Inborn genetic diseases. Last evaluated: 2025-04-27. Review status: criteria provided, single submitter. Criteria: Ambry Variant Classification Scheme 2023. Collection method: clinical testing. Allele origin: germline.

Labcorp Genetics (formerly Invitae), Labcorp
Classification: Uncertain significance for Martsolf syndrome; Warburg micro syndrome 2. Last evaluated: 2024-12-19. Review status: criteria provided, single submitter. Criteria: Invitae Variant Classification Sherloc (09022015). Collection method: clinical testing. Allele origin: germline.
Comment: This sequence change replaces isoleucine, which is neutral and non-polar, with threonine, which is neutral and polar, at codon 156 of the RAB3GAP2 protein (p.Ile156Thr). This variant is present in population databases (rs749444902, gnomAD 0.01%). This variant has not been reported in the literature in individuals affected with RAB3GAP2-related conditions. ClinVar contains an entry for this variant (Variation ID: 565975). Invitae Evidence Modeling of protein sequence and biophysical properties (such as structural, functional, and spatial information, amino acid conservation, physicochemical variation, residue mobility, and thermodynamic stability) has been performed for this missense variant. However, the output from this modeling did not meet the statistical confidence thresholds required to predict the impact of this variant on RAB3GAP2 protein function. In summary, the available evidence is currently insufficient to determine the role of this variant in disease. Therefore, it has been classified as a Variant of Uncertain Significance.

GeneDx
Classification: Uncertain significance. Last evaluated: 2022-10-10. Review status: criteria provided, single submitter. Criteria: GeneDx Variant Classification Process June 2021. Collection method: clinical testing. Allele origin: germline. Affected: yes.
Comment: In silico analysis supports that this missense variant has a deleterious effect on protein structure/function; Has not been previously published as pathogenic or benign to our knowledge

Illumina Laboratory Services, Illumina
Classification: Uncertain significance for Martsolf syndrome 1. Last evaluated: 2018-01-13. Review status: criteria provided, single submitter. Criteria: ICSL Variant Classification Criteria 13 December 2019. Collection method: clinical testing. Allele origin: germline.

Illumina Laboratory Services, Illumina
Classification: Uncertain significance for Warburg micro syndrome 2. Last evaluated: 2018-01-13. Review status: criteria provided, single submitter. Criteria: ICSL Variant Classification Criteria 13 December 2019. Collection method: clinical testing. Allele origin: germline.